The following is an entry in ClinVar:

NM_000136.3(FANCC):c.97G>C (p.Asp33His)

Gene: FANCC (FA complementation group C; minus strand). Cytogenetic location: 9q22.32.
Variant type: single nucleotide variant.
Coding change: c.97G>C on transcript NM_000136.3 (MANE Select); coding-DNA position 97, G replaced by C.
Protein change: p.Asp33His; replaces aspartic acid 33 with histidine.
Molecular consequence: missense variant.
Genome position (GRCh38, 1-based): chr9:95,249,195, C>G on the plus strand (G>C on the coding strand, the complement: FANCC is on the minus strand). VCF-style: chr9-95249195-C-G. GRCh37 (hg19) VCF-style: chr9-98011477-C-G.
Other names: c.97G>C, p.Asp33His (NM_001243743.2, NM_001243744.2); short protein forms D33H.
Identifiers: ClinVar variation 4824316 (VCV004824316.1).

ClinVar aggregate classification (germline): Uncertain significance (1 of 4 stars; one submission).

Conditions:
Hereditary cancer-predisposing syndrome. Also called: Neoplastic Syndromes, Hereditary; Hereditary neoplastic syndrome; Tumor predisposition; Hereditary Cancer Syndrome. Identifiers: Orphanet 140162, MedGen C0027672, MeSH D009386, MONDO:0015356.

Submission:

Ambry Genetics
Classification: Uncertain significance for Hereditary cancer-predisposing syndrome. Last evaluated: 2026-01-21. Review status: criteria provided, single submitter. Criteria: Ambry Variant Classification Scheme 2023. Collection method: clinical testing. Allele origin: germline.
Comment: The p.D33H variant (also known as c.97G>C), located in coding exon 1 of the FANCC gene, results from a G to C substitution at nucleotide position 97. The aspartic acid at codon 33 is replaced by histidine, an amino acid with similar properties. This amino acid position is conserved. In addition, this alteration is predicted to be deleterious by in silico analysis. Based on the available evidence, the clinical significance of this variant remains unclear.